The following is an entry in ClinVar:

ClinVar aggregate classification (germline): Likely benign (1 of 4 stars; one submission).

gnomAD v4.1: 2 of 1,613,800 alleles (0.00012%); highest among the groups gnomAD compares: Admixed American, 0.0017%; no homozygotes.

Submission:

CeGaT Center for Human Genetics Tuebingen
Classification: Likely benign. Last evaluated: 2025-01-01. Review status: criteria provided, single submitter. Criteria: CeGaT Center For Human Genetics Tuebingen Variant Classification Criteria Version 2. Collection method: clinical testing. Allele origin: germline. Affected: yes. Observed: 1 variant allele.
Comment: CHST9: BP4, BP7

NM_031422.6(CHST9):c.777T>C (p.Asp259=)

Genes: AQP4-AS1 (AQP4 antisense RNA 1; plus strand), CHST9 (carbohydrate sulfotransferase 9; minus strand). Cytogenetic location: 18q11.2.
Variant type: single nucleotide variant.
Coding change: c.777T>C on transcript NM_031422.6 (MANE Select); coding-DNA position 777, T replaced by C.
Protein change: p.Asp259=; no amino-acid change (aspartic acid 259 retained).
Molecular consequence: synonymous variant. On other transcripts: 3 prime UTR variant (1).
Genome position (GRCh38, 1-based): chr18:26,916,814, A>G on the plus strand (T>C on the coding strand, the complement: CHST9 is on the minus strand). VCF-style: chr18-26916814-A-G. GRCh37 (hg19) VCF-style: chr18-24496778-A-G.
Other names: c.*514T>C (NM_001256316.2); c.777T>C, p.Asp259= (NM_001398493.1).
Identifiers: ClinVar variation 3771627 (VCV003771627.13).